The following is an entry in ClinVar:

ClinVar aggregate classification (germline): Uncertain significance (1 of 4 stars; one submission).

Conditions:
Idiopathic generalized epilepsy. Also called: Generalised epilepsy; EIG. Identifiers: MedGen C0270850, MONDO:0005579, OMIM 600669.

Submission:

Labcorp Genetics (formerly Invitae), Labcorp
Classification: Uncertain significance for Idiopathic generalized epilepsy. Last evaluated: 2022-03-03. Review status: criteria provided, single submitter. Criteria: Invitae Variant Classification Sherloc (09022015). Collection method: clinical testing. Allele origin: germline.
Comment: In summary, the available evidence is currently insufficient to determine the role of this variant in disease. Therefore, it has been classified as a Variant of Uncertain Significance. Algorithms developed to predict the effect of missense changes on protein structure and function (SIFT, PolyPhen-2, Align-GVGD) all suggest that this variant is likely to be tolerated. This variant has not been reported in the literature in individuals affected with RBFOX1-related conditions. This variant is present in population databases (rs768195911, gnomAD 0.004%). This sequence change replaces proline, which is neutral and non-polar, with serine, which is neutral and polar, at codon 311 of the RBFOX1 protein (p.Pro311Ser).

NM_018723.4(RBFOX1):c.871C>T (p.Pro291Ser)

Gene: RBFOX1 (RNA binding fox-1 homolog 1; plus strand). Cytogenetic location: 16p13.3.
Variant type: single nucleotide variant.
Coding change: c.871C>T on transcript NM_018723.4 (MANE Select); coding-DNA position 871, C replaced by T.
Protein change: p.Pro291Ser; replaces proline 291 with serine.
Molecular consequence: missense variant.
Genome position (GRCh38, 1-based): chr16:7,653,928, C>T. VCF-style: chr16-7653928-C-T. GRCh37 (hg19) VCF-style: chr16-7703930-C-T.
Other names: c.790C>T, p.Pro264Ser (NM_001142333.2); c.871C>T, p.Pro291Ser (NM_001142334.2, NM_001364800.2); c.1000C>T, p.Pro334Ser (NM_001308117.1); c.931C>T, p.Pro311Ser (NM_145891.3, NM_145892.3, NM_145893.3); short protein forms P264S, P291S, P334S, P311S.
Identifiers: ClinVar variation 1410167 (VCV001410167.8), dbSNP rs768195911, ClinGen allele CA7891733.